The following is an entry in ClinVar:

NM_144997.7(FLCN):c.41A>G (p.His14Arg)

Gene: FLCN (folliculin; minus strand). Cytogenetic location: 17p11.2.
Variant type: single nucleotide variant.
Coding change: c.41A>G on transcript NM_144997.7 (MANE Select); coding-DNA position 41, A replaced by G.
Protein change: p.His14Arg; replaces histidine 14 with arginine.
Molecular consequence: missense variant.
Genome position (GRCh38, 1-based): chr17:17,228,097, T>C on the plus strand (A>G on the coding strand, the complement: FLCN is on the minus strand). VCF-style: chr17-17228097-T-C. GRCh37 (hg19) VCF-style: chr17-17131411-T-C.
Other names: c.41A>G, p.His14Arg (NM_001353229.2, NM_001353230.2, NM_001353231.2 and 1 more transcripts); short protein forms H14R.
Identifiers: ClinVar variation 3850585 (VCV003850585.1).

ClinVar aggregate classification (germline): Uncertain significance (1 of 4 stars; one submission).

Conditions:
Hereditary cancer-predisposing syndrome. Also called: Hereditary neoplastic syndrome; Neoplastic Syndromes, Hereditary; Tumor predisposition; Hereditary Cancer Syndrome. Identifiers: Orphanet 140162, MedGen C0027672, MeSH D009386, MONDO:0015356.

Submission:

Ambry Genetics
Classification: Uncertain significance for Hereditary cancer-predisposing syndrome. Last evaluated: 2025-02-16. Review status: criteria provided, single submitter. Criteria: Ambry Variant Classification Scheme 2023. Collection method: clinical testing. Allele origin: germline.
Comment: The p.H14R variant (also known as c.41A>G), located in coding exon 1 of the FLCN gene, results from an A to G substitution at nucleotide position 41. The histidine at codon 14 is replaced by arginine, an amino acid with highly similar properties. This amino acid position is conserved. In addition, this alteration is predicted to be deleterious by in silico analysis. Based on the available evidence, the clinical significance of this variant remains unclear.